The following is an entry in ClinVar:

ClinVar aggregate classification (germline): Conflicting classifications of pathogenicity. Review status: criteria provided, conflicting classifications (1 of 4 stars). 2 submissions from 2 submitters: Uncertain significance (1); Likely benign (1). Last evaluated 2025-09-20.

Conditions:
Inborn genetic diseases. Identifiers: MedGen C0950123, MeSH D030342.

gnomAD v4.1: 2 of 1,614,218 alleles (0.00012%); highest among the groups gnomAD compares: East Asian, 0.0022%; no homozygotes.

Submissions (2):

Labcorp Genetics (formerly Invitae), Labcorp
Classification: Uncertain significance. Last evaluated: 2025-09-20. Review status: criteria provided, single submitter. Criteria: Invitae Variant Classification Sherloc (09022015). Collection method: clinical testing. Allele origin: germline.
Comment: This sequence change replaces isoleucine, which is neutral and non-polar, with valine, which is neutral and non-polar, at codon 140 of the ETV6 protein (p.Ile140Val). This variant is present in population databases (no rsID available, gnomAD 0.006%). This variant has not been reported in the literature in individuals affected with ETV6-related conditions. ClinVar contains an entry for this variant (Variation ID: 3846470). Invitae Evidence Modeling of protein sequence and biophysical properties (such as structural, functional, and spatial information, amino acid conservation, physicochemical variation, residue mobility, and thermodynamic stability) indicates that this missense variant is not expected to disrupt ETV6 protein function with a negative predictive value of 80%. In summary, the available evidence is currently insufficient to determine the role of this variant in disease. Therefore, it has been classified as a Variant of Uncertain Significance.

Ambry Genetics
Classification: Likely benign for Inborn genetic diseases. Last evaluated: 2024-12-16. Review status: criteria provided, single submitter. Criteria: Ambry Variant Classification Scheme 2023. Collection method: clinical testing. Allele origin: germline.

NM_001987.5(ETV6):c.418A>G (p.Ile140Val)

Gene: ETV6 (ETS variant transcription factor 6; plus strand). Cytogenetic location: 12p13.2.
Variant type: single nucleotide variant.
Coding change: c.418A>G on transcript NM_001987.5 (MANE Select); coding-DNA position 418, A replaced by G.
Protein change: p.Ile140Val; replaces isoleucine 140 with valine.
Molecular consequence: missense variant.
Genome position (GRCh38, 1-based): chr12:11,853,516, A>G. VCF-style: chr12-11853516-A-G. GRCh37 (hg19) VCF-style: chr12-12006450-A-G.
Other names: c.415A>G, p.Ile139Val (NM_001413913.1); c.391A>G, p.Ile131Val (NM_001413914.1); c.154A>G, p.Ile52Val (NM_001413915.1); c.418A>G, p.Ile140Val (NM_001413916.1, NM_001413917.1); short protein forms I52V, I131V, I139V, I140V.
Identifiers: ClinVar variation 3846470 (VCV003846470.2).